The following is an entry in ClinVar:

ClinVar aggregate classification (germline): Uncertain significance (1 of 4 stars; one submission).

Conditions:
Episodic ataxia type 2 (EA2). Also called: ATAXIA, EPISODIC, WITH NYSTAGMUS; ATAXIA, FAMILIAL PAROXYSMAL; CEREBELLAR ATAXIA, PAROXYSMAL, ACETAZOLAMIDE-RESPONSIVE; CEREBELLOPATHY, HEREDITARY PAROXYSMAL; EPISODIC ATAXIA, NYSTAGMUS-ASSOCIATED; ACETAZOLAMIDE-RESPONSIVE HEREDITARY PAROXYSMAL CEREBELLAR ATAXIA. Identifiers: Orphanet 97, MedGen C1720416, MONDO:0007163, OMIM 108500.
Developmental and epileptic encephalopathy, 42 (DEE42A). Also called: Epileptic encephalopathy, early infantile, 42; DEVELOPMENTAL AND EPILEPTIC ENCEPHALOPATHY 42A; EPILEPTIC ENCEPHALOPATHY, EARLY INFANTILE, 42A. Identifiers: MedGen C4310716, MONDO:0014917, OMIM 617106.

gnomAD v4.1: 4 of 1,476,280 alleles (0.00027%); highest among the groups gnomAD compares: Admixed American, 0.0052%; no homozygotes.

Submission:

Labcorp Genetics (formerly Invitae), Labcorp
Classification: Uncertain significance for Developmental and epileptic encephalopathy, 42; Episodic ataxia type 2. Last evaluated: 2022-12-24. Review status: criteria provided, single submitter. Criteria: Invitae Variant Classification Sherloc (09022015). Collection method: clinical testing. Allele origin: germline.
Comment: In summary, the available evidence is currently insufficient to determine the role of this variant in disease. Therefore, it has been classified as a Variant of Uncertain Significance. Advanced modeling of protein sequence and biophysical properties (such as structural, functional, and spatial information, amino acid conservation, physicochemical variation, residue mobility, and thermodynamic stability) performed at Invitae indicates that this missense variant is not expected to disrupt CACNA1A protein function. ClinVar contains an entry for this variant (Variation ID: 1416742). This variant has not been reported in the literature in individuals affected with CACNA1A-related conditions. This variant is not present in population databases (gnomAD no frequency). This sequence change replaces alanine, which is neutral and non-polar, with threonine, which is neutral and polar, at codon 987 of the CACNA1A protein (p.Ala987Thr).

NM_001127222.2(CACNA1A):c.2956G>A (p.Ala986Thr)

Gene: CACNA1A (calcium voltage-gated channel subunit alpha1 A; minus strand). Cytogenetic location: 19p13.13.
Variant type: single nucleotide variant.
Coding change: c.2956G>A on transcript NM_001127222.2 (MANE Select); coding-DNA position 2956, G replaced by A.
Protein change: p.Ala986Thr; replaces alanine 986 with threonine.
Molecular consequence: missense variant.
Genome position (GRCh38, 1-based): chr19:13,298,677, C>T on the plus strand (G>A on the coding strand, the complement: CACNA1A is on the minus strand). VCF-style: chr19-13298677-C-T. GRCh37 (hg19) VCF-style: chr19-13409491-C-T.
Other names: c.2968G>A, p.Ala990Thr (NM_000068.4, NM_023035.3); c.2959G>A, p.Ala987Thr (NM_001127221.2, NM_001174080.2); short protein forms A990T, A986T, A987T.
Identifiers: ClinVar variation 1416742 (VCV001416742.8), dbSNP rs376228771, ClinGen allele CA404342371.
Genomic context (GRCh38, chr19:13,298,677, plus strand): 5'-GGTGCCTTCTCCTGCGCTCGCCCCCGTCGGGGCCCTCGCCCTCGCCCTCGCCGCCCCGGG[C>T]CGGCCGGCTGCCCTCGCGGTGCCGCGCCCTCCGCTCCGCCTTGTCCTCCGGACCCTCCTC-3'
Protein context (NP_001120694.1, residues 976-996): RARHREGSRP[Ala986Thr]RGGEGEGEGP